The following is an entry in ClinVar:

ClinVar aggregate classification (germline): Pathogenic (1 of 4 stars; one submission).

Conditions:
Neurofibromatosis, type 1 (NF1). Also called: Peripheral type neurofibromatosis; Neurofibromatosis, type I; NEUROFIBROMATOSIS, TYPE I, SOMATIC; VON RECKLINGHAUSEN DISEASE. Identifiers: Orphanet 636, MedGen C0027831, MONDO:0018975, OMIM 162200. Disease mechanism: loss of function.

Submission:

Labcorp Genetics (formerly Invitae), Labcorp
Classification: Pathogenic for Neurofibromatosis, type 1. Last evaluated: 2021-11-13. Review status: criteria provided, single submitter. Criteria: Invitae Variant Classification Sherloc (09022015). Collection method: clinical testing. Allele origin: germline.
Comment: For these reasons, this variant has been classified as Pathogenic. This sequence change creates a premature translational stop signal (p.Gly751Glufs*9) in the NF1 gene. It is expected to result in an absent or disrupted protein product. Loss-of-function variants in NF1 are known to be pathogenic (PMID: 10712197, 23913538). This variant is not present in population databases (gnomAD no frequency). This premature translational stop signal has been observed in individual(s) with neurofibromatosis type I (Invitae). This variant is also known as c.2251+1del. Algorithms developed to predict the effect of sequence changes on RNA splicing suggest that this variant may disrupt the consensus splice site.

Literature cited by the submitters: PubMed 10712197; PubMed 23913538.

NM_001042492.3(NF1):c.2251+1del

Gene: NF1 (neurofibromin 1; plus strand). Cytogenetic location: 17q11.2.
Variant type: Deletion.
Coding change: c.2251+1del on transcript NM_001042492.3 (MANE Select); the canonical splice donor site of the intron after coding-DNA position 2251, one base deleted (G; older notation c.2251+1delG).
Molecular consequence: splice donor variant.
Genome position (GRCh38, 1-based): chr17:31,226,685, G deleted; the last of 2 consecutive G bases (chr17:31,226,684-31,226,685); deleting either gives the same sequence. VCF-style (leftmost placement, unchanged base first): chr17-31226683-AG-A. GRCh37 (hg19) VCF-style: chr17-29553701-AG-A.
Other names: c.2251+1del (NM_000267.4).
Identifiers: ClinVar variation 1373765 (VCV001373765.6), dbSNP rs2151426173, ClinGen allele CA2573153264.